The following is an entry in ClinVar:

NM_001012301.4(ARSI):c.1621C>T (p.Arg541Trp)

Gene: ARSI (arylsulfatase family member I; minus strand). Cytogenetic location: 5q32.
Variant type: single nucleotide variant.
Coding change: c.1621C>T on transcript NM_001012301.4 (MANE Select); coding-DNA position 1621, C replaced by T.
Protein change: p.Arg541Trp; replaces arginine 541 with tryptophan.
Molecular consequence: missense variant.
Genome position (GRCh38, 1-based): chr5:150,297,303, G>A on the plus strand (C>T on the coding strand, the complement: ARSI is on the minus strand). VCF-style: chr5-150297303-G-A. GRCh37 (hg19) VCF-style: chr5-149676866-G-A.
Other names: c.1621C>T (NM_001012301.2); short protein forms R541W.
Identifiers: ClinVar variation 1988384 (VCV001988384.5), dbSNP rs560275472, ClinGen allele CA3510038.

ClinVar aggregate classification (germline): Uncertain significance. Review status: criteria provided, multiple submitters, no conflicts (2 of 4 stars). 2 submissions from 2 submitters: Uncertain significance (2). Last evaluated 2025-05-23.

Conditions:
Spastic paraplegia. Identifiers: MedGen C0037772, HP:0001258.

Allele frequency attached by ClinVar (database versions not stated): TOPMed 0.00003; ExAC 0.00006; gnomAD exomes 0.00007; 1000 Genomes Project 30x 0.00016; 1000 Genomes Project 0.00020; gnomAD 0.00007.

Submissions (2):

Ambry Genetics
Classification: Uncertain significance. Last evaluated: 2025-05-23. Review status: criteria provided, single submitter. Criteria: Ambry Variant Classification Scheme 2023. Collection method: clinical testing. Allele origin: germline.

Labcorp Genetics (formerly Invitae), Labcorp
Classification: Uncertain significance for Spastic paraplegia. Last evaluated: 2022-02-27. Review status: criteria provided, single submitter. Criteria: Invitae Variant Classification Sherloc (09022015). Collection method: clinical testing. Allele origin: germline.
Comment: This variant has not been reported in the literature in individuals affected with ARSI-related conditions. This variant is present in population databases (rs560275472, gnomAD 0.05%). This sequence change replaces arginine, which is basic and polar, with tryptophan, which is neutral and slightly polar, at codon 541 of the ARSI protein (p.Arg541Trp). Algorithms developed to predict the effect of missense changes on protein structure and function output the following: SIFT: "Deleterious"; PolyPhen-2: "Benign"; Align-GVGD: "Class C0". The tryptophan amino acid residue is found in multiple mammalian species, which suggests that this missense change does not adversely affect protein function. In summary, the available evidence is currently insufficient to determine the role of this variant in disease. Therefore, it has been classified as a Variant of Uncertain Significance.